The following is an entry in ClinVar:

NM_000256.3(MYBPC3):c.1768A>G (p.Ile590Val)

Gene: MYBPC3 (myosin binding protein C3; minus strand). Cytogenetic location: 11p11.2.
Variant type: single nucleotide variant.
Coding change: c.1768A>G on transcript NM_000256.3 (MANE Select); coding-DNA position 1768, A replaced by G.
Protein change: p.Ile590Val; replaces isoleucine 590 with valine.
Molecular consequence: missense variant.
Genome position (GRCh38, 1-based): chr11:47,342,013, T>C on the plus strand (A>G on the coding strand, the complement: MYBPC3 is on the minus strand). VCF-style: chr11-47342013-T-C. GRCh37 (hg19) VCF-style: chr11-47363564-T-C.
Other names: short protein forms I590V.
Identifiers: ClinVar variation 2959578 (VCV002959578.5), dbSNP rs754904833, ClinGen allele CA221694896.
Genomic context (GRCh38, chr11:47,342,013, plus strand): 5'-GTCTCCACCTGTCCCATCCACCTGCCCTGCACACTCACCGCCCGATGTGGGACACCTTTA[T>C]GCGGCTGTCGGGCACCAGCTCCTTCCCATTCTTCAGCCACACACCCCGAACATTCTCATC-3'
Protein context (NP_000247.2, residues 580-600): NGKELVPDSR[Ile590Val]KVSHIGRVHK

ClinVar aggregate classification (germline): Uncertain significance. Review status: criteria provided, multiple submitters, no conflicts (2 of 4 stars). 3 submissions from 3 submitters: Uncertain significance (3). Last evaluated 2024-10-02.

Conditions:
Hypertrophic cardiomyopathy. Also called: HYPERTROPHIC MYOCARDIOPATHY. Identifiers: Orphanet 217569, MedGen C0007194, MeSH D002312, MONDO:0005045, HP:0001639.

Allele frequency attached by ClinVar (database versions not stated): gnomAD exomes below 0.00001.
gnomAD v4.1: 1 of 1,578,636 alleles (0.000063%); highest among the groups gnomAD compares: Non-Finnish European, 0.000086%; no homozygotes.

Submissions (3):

GeneDx
Classification: Uncertain significance. Last evaluated: 2024-10-02. Review status: criteria provided, single submitter. Criteria: GeneDx Variant Classification Process June 2021. Collection method: clinical testing. Allele origin: germline. Affected: yes.
Comment: Not observed at significant frequency in large population cohorts (gnomAD); In silico analysis indicates that this missense variant does not alter protein structure/function; Has not been previously published as pathogenic or benign to our knowledge

Labcorp Genetics (formerly Invitae), Labcorp
Classification: Uncertain significance for Hypertrophic cardiomyopathy. Last evaluated: 2023-10-06. Review status: criteria provided, single submitter. Criteria: Invitae Variant Classification Sherloc (09022015). Collection method: clinical testing. Allele origin: germline.
Comment: This sequence change replaces isoleucine, which is neutral and non-polar, with valine, which is neutral and non-polar, at codon 590 of the MYBPC3 protein (p.Ile590Val). This variant is not present in population databases (gnomAD no frequency). This variant has not been reported in the literature in individuals affected with MYBPC3-related conditions. An algorithm developed to predict the effect of missense changes on protein structure and function (PolyPhen-2) suggests that this variant is likely to be tolerated. In summary, the available evidence is currently insufficient to determine the role of this variant in disease. Therefore, it has been classified as a Variant of Uncertain Significance.

Blueprint Genetics
Classification: Uncertain significance. Last evaluated: 2023-05-24. Review status: criteria provided, single submitter. Criteria: ACMG Guidelines, 2015. Collection method: clinical testing. Allele origin: germline.